The following is an entry in ClinVar:

NM_000393.5(COL5A2):c.883C>T (p.Leu295Phe)

Gene: COL5A2 (collagen type V alpha 2 chain; minus strand). Cytogenetic location: 2q32.2.
Variant type: single nucleotide variant.
Coding change: c.883C>T on transcript NM_000393.5 (MANE Select); coding-DNA position 883, C replaced by T.
Protein change: p.Leu295Phe; replaces leucine 295 with phenylalanine.
Molecular consequence: missense variant.
Genome position (GRCh38, 1-based): chr2:189,081,013, G>A on the plus strand (C>T on the coding strand, the complement: COL5A2 is on the minus strand). VCF-style: chr2-189081013-G-A. GRCh37 (hg19) VCF-style: chr2-189945739-G-A.
Other names: c.883C>T (NM_000393.3); short protein forms L295F.
Identifiers: ClinVar variation 3356738 (VCV003356738.5).

ClinVar aggregate classification (germline): Conflicting classifications of pathogenicity. Review status: criteria provided, conflicting classifications (1 of 4 stars). 4 submissions from 4 submitters: Uncertain significance (1); Likely benign (2). 1 of the submissions does not count toward it. Last evaluated 2026-06-09.

Conditions:
Familial thoracic aortic aneurysm and aortic dissection (TAAD). Also called: Thoracic aortic aneurysms and dissections. Identifiers: Orphanet 91387, MedGen C4707243, MONDO:0019625.
Ehlers-Danlos syndrome, classic type, 1 (EDSCL1). Also called: EHLERS-DANLOS SYNDROME, GRAVIS TYPE; EHLERS-DANLOS SYNDROME, SEVERE CLASSIC TYPE; Ehlers-Danlos syndrome, type 1; Ehlers-Danlos Syndrome, Classic Type, COL5A1-Related; EDS I. Identifiers: MedGen C0268335, MONDO:0019567, OMIM 130000.
COL5A2-related disorder. Also called: COL5A2-related condition.

Submissions (4):

Ambry Genetics
Classification: Likely benign for Familial thoracic aortic aneurysm and aortic dissection. Last evaluated: 2026-06-09. Review status: criteria provided, single submitter. Criteria: Ambry Variant Classification Scheme 2023. Collection method: clinical testing. Allele origin: germline.

GeneDx
Classification: Uncertain significance. Last evaluated: 2024-02-22. Review status: criteria provided, single submitter. Criteria: GeneDx Variant Classification Process June 2021. Collection method: clinical testing. Allele origin: germline. Affected: yes.
Comment: Has not been previously published as pathogenic or benign to our knowledge; Not observed at significant frequency in large population cohorts (gnomAD); In silico analysis supports that this missense variant does not alter protein structure/function

Labcorp Genetics (formerly Invitae), Labcorp
Classification: Likely benign for Ehlers-Danlos syndrome, classic type, 1. Last evaluated: 2024-02-06. Review status: criteria provided, single submitter. Criteria: Invitae Variant Classification Sherloc (09022015). Collection method: clinical testing. Allele origin: germline.

PreventionGenetics, part of Exact Sciences
Classification: Uncertain significance for COL5A2-related condition. Last evaluated: 2024-03-06. Review status: no assertion criteria provided. Collection method: clinical testing. Allele origin: germline. Not counted in ClinVar's aggregate classification.
Comment: The COL5A2 c.883C>T variant is predicted to result in the amino acid substitution p.Leu295Phe. To our knowledge, this variant has not been reported in the literature. This variant is reported in 0.013% of alleles in individuals of South Asian descent in gnomAD. At this time, the clinical significance of this variant is uncertain due to the absence of conclusive functional and genetic evidence.